The following is an entry in ClinVar:

ClinVar aggregate classification (germline): Uncertain significance (1 of 4 stars; one submission).

Conditions:
Schneckenbecken dysplasia. Identifiers: Orphanet 3144, MedGen C0432194, MONDO:0010013, OMIM 269250.

Allele frequency attached by ClinVar (database versions not stated): gnomAD exomes below 0.00001; ExAC 0.00001; gnomAD 0.00001.
gnomAD v4.1: 5 of 1,613,116 alleles (0.00031%); highest among the groups gnomAD compares: South Asian, 0.0011%; no homozygotes.

Submission:

Labcorp Genetics (formerly Invitae), Labcorp
Classification: Uncertain significance for Schneckenbecken dysplasia. Last evaluated: 2023-07-10. Review status: criteria provided, single submitter. Criteria: Invitae Variant Classification Sherloc (09022015). Collection method: clinical testing. Allele origin: germline.
Comment: This sequence change replaces valine, which is neutral and non-polar, with methionine, which is neutral and non-polar, at codon 57 of the SLC35D1 protein (p.Val57Met). This variant is present in population databases (rs781589127, gnomAD 0.003%). This variant has not been reported in the literature in individuals affected with SLC35D1-related conditions. ClinVar contains an entry for this variant (Variation ID: 2155648). Advanced modeling of protein sequence and biophysical properties (such as structural, functional, and spatial information, amino acid conservation, physicochemical variation, residue mobility, and thermodynamic stability) performed at Invitae indicates that this missense variant is not expected to disrupt SLC35D1 protein function. In summary, the available evidence is currently insufficient to determine the role of this variant in disease. Therefore, it has been classified as a Variant of Uncertain Significance.

NM_015139.3(SLC35D1):c.169G>A (p.Val57Met)

Gene: SLC35D1 (solute carrier family 35 member D1; minus strand). Cytogenetic location: 1p31.3.
Variant type: single nucleotide variant.
Coding change: c.169G>A on transcript NM_015139.3 (MANE Select); coding-DNA position 169, G replaced by A.
Protein change: p.Val57Met; replaces valine 57 with methionine.
Molecular consequence: missense variant.
Genome position (GRCh38, 1-based): chr1:67,053,845, C>T on the plus strand (G>A on the coding strand, the complement: SLC35D1 is on the minus strand). VCF-style: chr1-67053845-C-T. GRCh37 (hg19) VCF-style: chr1-67519528-C-T.
Other names: short protein forms V57M.
Identifiers: ClinVar variation 2155648 (VCV002155648.4), dbSNP rs781589127, ClinGen allele CA899161.